The following is an entry in ClinVar:

ClinVar aggregate classification (germline): Likely benign. Review status: criteria provided, multiple submitters, no conflicts (2 of 4 stars). 3 submissions from 3 submitters: Likely benign (3). Last evaluated 2025-07-23.

Conditions:
Cardiovascular phenotype. Identifiers: MedGen CN230736.

Allele frequency attached by ClinVar (database versions not stated): ExAC 0.00001; gnomAD 0.00001; TOPMed 0.00002; ESP Exome Variant Server 0.00008.
gnomAD v4.1: 13 of 1,612,368 alleles (0.00081%); highest among the groups gnomAD compares: Non-Finnish European, 0.00093%; no homozygotes.

Submissions (3):

Athena Diagnostics
Classification: Likely benign. Last evaluated: 2025-07-23. Review status: criteria provided, single submitter. Criteria: Athena Diagnostics Criteria. Collection method: clinical testing. Allele origin: unknown.
Comment: Computational tools yielded predictions that this variant is unlikely to have an effect on normal RNA splicing. This nucleotide position exhibits low evolutionary conservation.

Molecular Diagnostic Laboratory for Inherited Cardiovascular Disease, Montreal Heart Institute
Classification: Likely benign. Last evaluated: 2025-04-09. Review status: criteria provided, single submitter. Criteria: ACMG Guidelines, 2015. Collection method: clinical testing. Allele origin: germline. Affected: no.
Comment: BP7

Ambry Genetics
Classification: Likely benign for Cardiovascular phenotype. Last evaluated: 2023-11-04. Review status: criteria provided, single submitter. Criteria: Ambry Variant Classification Scheme 2023. Collection method: clinical testing. Allele origin: germline.

NM_001267550.2(TTN):c.48159T>A (p.Ile16053=)

Genes: TTN (titin; minus strand), TTN-AS1 (TTN antisense RNA 1; plus strand). Cytogenetic location: 2q31.2.
Variant type: single nucleotide variant.
Coding change: c.48159T>A on transcript NM_001267550.2 (MANE Select); coding-DNA position 48159, T replaced by A.
Protein change: p.Ile16053=; no amino-acid change (isoleucine 16053 retained).
Molecular consequence: synonymous variant.
Genome position (GRCh38, 1-based): chr2:178,616,730, A>T on the plus strand (T>A on the coding strand, the complement: TTN is on the minus strand). VCF-style: chr2-178616730-A-T. GRCh37 (hg19) VCF-style: chr2-179481457-A-T.
Other names: c.43236T>A, p.Ile14412= (NM_001256850.1); c.20964T>A, p.Ile6988= (NM_003319.4); c.40455T>A, p.Ile13485= (NM_133378.4); c.21339T>A, p.Ile7113= (NM_133432.3); c.21540T>A, p.Ile7180= (NM_133437.4).
Identifiers: ClinVar variation 3223217 (VCV003223217.3), dbSNP rs373317203, ClinGen allele CA1994909.
Genomic context (GRCh38, chr2:178,616,730, plus strand): 5'-GAACTAATATTTGTTAATACTGCCAAATCACCTTAGATGATAAATGTTTTGTTCCTTACC[A>T]ATTACATTGACATCAATTTCCCCAGAAATTGTTTTCACACGGTTTTCTAATTTCAGTGTA-3'
Protein context (NP_001254479.2, residues 16043-16063): TISGEIDVNV[Ile16053=]ARPSAPKELK